The following is an entry in ClinVar:

ClinVar aggregate classification (germline): Likely benign (1 of 4 stars; one submission).

Submission:

GeneDx
Classification: Likely benign. Last evaluated: 2018-06-19. Review status: criteria provided, single submitter. Criteria: GeneDx Variant Classification (06012015). Collection method: clinical testing. Allele origin: germline. Affected: yes.
Comment: This variant is considered likely benign or benign based on one or more of the following criteria: it is a conservative change, it occurs at a poorly conserved position in the protein, it is predicted to be benign by multiple in silico algorithms, and/or has population frequency not consistent with disease.

NM_001083962.2(TCF4):c.1351-84_1351-81dup

Genes: TCF4 (transcription factor 4; minus strand), LOC121627832 (Sharpr-MPRA regulatory region 5538; plus strand). Cytogenetic location: 18q21.2.
Variant type: Duplication.
Coding change: c.1351-84_1351-81dup on transcript NM_001083962.2 (MANE Select); 84 bases into the intron before coding-DNA position 1351 through 81 bases into the intron before coding-DNA position 1351, 4 bases duplicated (CTTC; older notation c.1351-84_1351-81dupCTTC).
Molecular consequence: intron variant.
Genome position (GRCh38, 1-based): chr18:55,234,764-55,234,767, GAAG duplicated on the plus strand (CTTC on the coding strand, the reverse complement: TCF4 is on the minus strand); duplicating any 4 consecutive bases within chr18:55,234,764-55,234,768 gives the same sequence; the c. name uses the placement nearest the transcript's 3' end. VCF-style (leftmost placement, unchanged base first): chr18-55234763-T-TGAAG. GRCh37 (hg19) VCF-style: chr18-52901994-T-TGAAG.
Other names: c.1657-84_1657-81dup (NM_001243226.3); c.1276-84_1276-81dup (NM_001369584.1, NM_001369576.1, NM_001369577.1 and 6 more transcripts); c.1279-84_1279-81dup (NM_001369582.1, NM_001243227.2, NM_001369583.1 and 5 more transcripts); c.1282-84_1282-81dup (NM_001369586.1); c.1351-84_1351-81dup (NM_001369571.1, NM_001369567.1, NM_001369572.1 and 2 more transcripts); c.1369-84_1369-81dup (NM_001243228.2); c.1342-84_1342-81dup (NM_001243230.2); c.1348-84_1348-81dup (NM_001369569.1, NM_001369573.1, NM_001369570.1 and 2 more transcripts); and 6 more.
Identifiers: ClinVar variation 670814 (VCV000670814.1), dbSNP rs142282264, ClinGen allele CA300798784.